The following is an entry in ClinVar:

ClinVar aggregate classification (germline): Pathogenic/Likely pathogenic. Review status: criteria provided, multiple submitters, no conflicts (2 of 4 stars). 4 submissions from 4 submitters: Pathogenic (2); Likely pathogenic (2). Last evaluated 2025-09-01.

Conditions:
Cone dystrophy. Identifiers: Orphanet 1871, MedGen C0730290, MONDO:0000455.
Asphyxiating thoracic dystrophy 5 (SRTD5). Also called: SHORT-RIB THORACIC DYSPLASIA 5 WITH OR WITHOUT POLYDACTYLY; SHORT-RIB THORACIC DYSPLASIA 5 WITHOUT POLYDACTYLY. Identifiers: Orphanet 474, MedGen C3280598, MONDO:0013717, OMIM 614376.
Cranioectodermal dysplasia 4 (CED4). Identifiers: Orphanet 1515, MedGen C3280616, MONDO:0013719, OMIM 614378.
Spermatogenic failure 72 (SPGF72). Identifiers: MedGen C5676980, MONDO:0030809, OMIM 619867.
Nephronophthisis 13 (NPHP13). Identifiers: Orphanet 655, MedGen C3280612, MONDO:0013718, OMIM 614377.
Senior-Loken syndrome 8 (SLSN8). Identifiers: Orphanet 3156, MedGen C4225376, MONDO:0014579, OMIM 616307.
WDR19-related disorder. Also called: WDR19-related disorders; WDR19-related condition. Identifiers: MedGen CN380161.

Submissions (4):

Labcorp Genetics (formerly Invitae), Labcorp
Classification: Pathogenic for Senior-Loken syndrome 8; Asphyxiating thoracic dystrophy 5. Last evaluated: 2025-09-01. Review status: criteria provided, single submitter. Criteria: Invitae Variant Classification Sherloc (09022015). Collection method: clinical testing. Allele origin: germline.
Comment: This sequence change creates a premature translational stop signal (p.Arg829*) in the WDR19 gene. It is expected to result in an absent or disrupted protein product. Loss-of-function variants in WDR19 are known to be pathogenic (PMID: 22019273, 23559409, 23683095, 26275793, 27241786, 29068549). This variant is not present in population databases (gnomAD no frequency). This variant has not been reported in the literature in individuals affected with WDR19-related conditions. ClinVar contains an entry for this variant (Variation ID: 1213952). Algorithms developed to predict the effect of sequence changes on RNA splicing suggest that this variant may disrupt the consensus splice site. For these reasons, this variant has been classified as Pathogenic.

Fulgent Genetics
Classification: Likely pathogenic for Asphyxiating thoracic dystrophy 5; Nephronophthisis 13; Cranioectodermal dysplasia 4; Senior-Loken syndrome 8; Spermatogenic failure 72. Last evaluated: 2021-10-28. Review status: criteria provided, single submitter. Criteria: ACMG Guidelines, 2015. Collection method: clinical testing. Allele origin: unknown.

Blueprint Genetics
Classification: Likely pathogenic for WDR19-related disorders. Last evaluated: 2021-09-01. Review status: criteria provided, single submitter. Criteria: ACMG Guidelines, 2015. Collection method: clinical testing. Allele origin: germline. Affected: yes. Observed: 1 variant allele.

DBGen Ocular Genomics
Classification: Pathogenic for Cone dystrophy. Last evaluated: 2021-06-28. Review status: criteria provided, single submitter. Criteria: ACMG Guidelines, 2015. Collection method: clinical testing. Allele origin: germline. Affected: yes. Observed: 1 variant allele.

Literature cited by the submitters: PubMed 22019273 (cited by Labcorp Genetics (formerly Invitae), Labcorp); PubMed 23559409 (cited by Labcorp Genetics (formerly Invitae), Labcorp); PubMed 23683095 (cited by Labcorp Genetics (formerly Invitae), Labcorp); PubMed 26275793 (cited by Labcorp Genetics (formerly Invitae), Labcorp); PubMed 27241786 (cited by Labcorp Genetics (formerly Invitae), Labcorp); PubMed 29068549 (cited by Labcorp Genetics (formerly Invitae), Labcorp).

NM_025132.4(WDR19):c.2485C>T (p.Arg829Ter)

Gene: WDR19 (WD repeat domain 19; plus strand). Cytogenetic location: 4p14.
Variant type: single nucleotide variant.
Coding change: c.2485C>T on transcript NM_025132.4 (MANE Select); coding-DNA position 2485, C replaced by T.
Protein change: p.Arg829Ter; replaces arginine 829 with a stop codon.
Molecular consequence: nonsense.
Genome position (GRCh38, 1-based): chr4:39,244,311, C>T. VCF-style: chr4-39244311-C-T. GRCh37 (hg19) VCF-style: chr4-39245931-C-T.
Other names: c.2005C>T, p.Arg669Ter (NM_001317924.2); short protein forms R669*, R829*.
Identifiers: ClinVar variation 1213952 (VCV001213952.9), dbSNP rs775181779, ClinGen allele CA356637373.